The following is an entry in ClinVar:

ClinVar aggregate classification (germline): not provided (0 of 4 stars; one submission).

Conditions:
Seizures, benign familial neonatal, 1. Also called: KCNQ2-Related Benign Familial Neonatal Epilepsy; Benign Neonatal Epilepsy 1; KCNQ2-Related Self-Limited Familial Neonatal Epilepsy (SLFNE); Seizures, benign neonatal, 1. Identifiers: Orphanet 1949, MedGen C3149074, MONDO:0007365, OMIM 121200.

Submission:

GeneReviews
No classification provided. Condition: Seizures, benign familial neonatal, 1. Review status: no classification provided. Collection method: literature only. Allele origin: germline. Affected: yes.
Comment: BFNE (benign familial neonatal epilepsy)

Literature cited by the submitters: PubMed 25982755; NCBI Bookshelf NBK32534.

NM_172107.4(KCNQ2):c.1418_1419del (p.Leu473fs)

Gene: KCNQ2 (potassium voltage-gated channel subfamily Q member 2; minus strand). Cytogenetic location: 20q13.33.
Variant type: Deletion.
Coding change: c.1418_1419del on transcript NM_172107.4 (MANE Select); coding-DNA positions 1418 to 1419, 2 bases deleted (TC; older notation c.1418_1419delTC).
Protein change: p.Leu473fs; shifts the reading frame from leucine 473.
Molecular consequence: frameshift variant.
Genome position (GRCh38, 1-based): chr20:63,415,009-63,415,010, GA deleted on the plus strand (TC on the coding strand, the reverse complement: KCNQ2 is on the minus strand); deleting any 2 consecutive bases within chr20:63,415,009-63,415,011 gives the same sequence; the c. name uses the placement nearest the transcript's 3' end. VCF-style (leftmost placement, unchanged base first): chr20-63415008-CGA-C. GRCh37 (hg19) VCF-style: chr20-62046361-CGA-C.
Other names: c.1334_1335del, p.Leu445fs (NM_004518.6); c.1364_1365del, p.Leu455fs (NM_172106.3); c.1328_1329del, p.Leu443fs (NM_172108.5); short protein forms L455fs, L445fs, L443fs, L473fs.
Identifiers: ClinVar variation 369795 (VCV000369795.2), dbSNP rs1057516117, ClinGen allele CA10654789.